The following is an entry in ClinVar:

NM_002184.4(IL6ST):c.1729T>G (p.Tyr577Asp)

Gene: IL6ST (interleukin 6 cytokine family signal transducer; minus strand). Cytogenetic location: 5q11.2.
Variant type: single nucleotide variant.
Coding change: c.1729T>G on transcript NM_002184.4 (MANE Select); coding-DNA position 1729, T replaced by G.
Protein change: p.Tyr577Asp; replaces tyrosine 577 with aspartic acid.
Molecular consequence: missense variant. On other transcripts: 3 prime UTR variant (1), non-coding transcript variant (2).
Genome position (GRCh38, 1-based): chr5:55,951,575, A>C on the plus strand (T>G on the coding strand, the complement: IL6ST is on the minus strand). VCF-style: chr5-55951575-A-C. GRCh37 (hg19) VCF-style: chr5-55247403-A-C.
Other names: c.1546T>G, p.Tyr516Asp (NM_001190981.2); c.1627T>G, p.Tyr543Asp (NM_001364275.2); c.1519T>G, p.Tyr507Asp (NM_001364276.2); c.862T>G, p.Tyr288Asp (NM_001364277.2); c.826T>G, p.Tyr276Asp (NM_001364278.2); c.733T>G, p.Tyr245Asp (NM_001364279.2); c.*656T>G (NM_175767.3); short protein forms Y276D, Y288D, Y577D, Y507D, Y516D, Y245D, Y543D.
Identifiers: ClinVar variation 4722966 (VCV004722966.1).
Genomic context (GRCh38, chr5:55,951,575, plus strand): 5'-CTGTGTATGCTGCCATTCGTACCATGTACAATGTGTCACTAGTCAAAGAGGACAATGTAT[A>C]TTCTGTGTGGGAAGAATCCACATTCACAGCTGGAAGAAATAAGAACTGTGCTTCATTCAA-3'
Protein context (NP_002175.2, residues 567-587): AVNVDSSHTE[Tyr577Asp]TLSSLTSDTL

ClinVar aggregate classification (germline): Uncertain significance (1 of 4 stars; one submission).

Submission:

Labcorp Genetics (formerly Invitae), Labcorp
Classification: Uncertain significance. Last evaluated: 2025-07-14. Review status: criteria provided, single submitter. Criteria: Invitae Variant Classification Sherloc (09022015). Collection method: clinical testing. Allele origin: germline.
Comment: This sequence change replaces tyrosine, which is neutral and polar, with aspartic acid, which is acidic and polar, at codon 577 of the IL6ST protein (p.Tyr577Asp). This variant is not present in population databases (gnomAD no frequency). This variant has not been reported in the literature in individuals affected with IL6ST-related conditions. An algorithm developed to predict the effect of missense changes on protein structure and function (PolyPhen-2) suggests that this variant is likely to be disruptive. In summary, the available evidence is currently insufficient to determine the role of this variant in disease. Therefore, it has been classified as a Variant of Uncertain Significance.